The following is an entry in ClinVar:

ClinVar aggregate classification (germline): Benign. Review status: criteria provided, multiple submitters, no conflicts (2 of 4 stars). 5 submissions from 5 submitters: Benign (5). Last evaluated 2026-02-04.

Conditions:
Congenital secretory diarrhea, chloride type (DIAR1). Also called: DIARRHEA 1, SECRETORY CHLORIDE, CONGENITAL; CHLORIDORRHEA, CONGENITAL; CHLORIDE DIARRHEA, CONGENITAL, FINNISH TYPE. Identifiers: Orphanet 53689, MedGen C0267662, MONDO:0008964, OMIM 214700.

Allele frequency attached by ClinVar (database versions not stated): 1000 Genomes Project 30x 0.02936; 1000 Genomes Project 0.02995; TOPMed 0.03131; gnomAD 0.03234 and 0.03334; ESP Exome Variant Server 0.03375; gnomAD exomes 0.04136; ExAC 0.04251.

Submissions (5):

Labcorp Genetics (formerly Invitae), Labcorp
Classification: Benign. Last evaluated: 2026-02-04. Review status: criteria provided, single submitter. Criteria: Invitae Variant Classification Sherloc (09022015). Collection method: clinical testing. Allele origin: germline.

Mayo Clinic Laboratories, Mayo Clinic
Classification: Benign. Last evaluated: 2024-06-30. Review status: criteria provided, single submitter. Criteria: ACMG Guidelines, 2015. Collection method: clinical testing. Allele origin: germline. Observed: 3 variant alleles.

GeneDx
Classification: Benign. Last evaluated: 2020-05-30. Review status: criteria provided, single submitter. Criteria: GeneDx Variant Classification Process June 2021. Collection method: clinical testing. Allele origin: germline. Affected: yes.

Illumina Laboratory Services, Illumina
Classification: Benign for Congenital secretory diarrhea, chloride type. Last evaluated: 2018-01-12. Review status: criteria provided, single submitter. Criteria: ICSL Variant Classification Criteria 13 December 2019. Collection method: clinical testing. Allele origin: germline.
Comment: This variant was observed in the ICSL laboratory as part of a predisposition screen in an ostensibly healthy population. It had not been previously curated by ICSL or reported in the Human Gene Mutation Database (HGMD: prior to June 1st, 2018), and was therefore a candidate for classification through an automated scoring system. Utilizing variant allele frequency, disease prevalence and penetrance estimates, and inheritance mode, an automated score was calculated to assess if this variant is too frequent to cause the disease. Based on the score and internal cut-off values, a variant classified as benign is not then subjected to further curation. The score for this variant resulted in a classification of benign for this disease.

Breakthrough Genomics
Classification: Benign. Review status: criteria provided, single submitter. Criteria: ACMG Guidelines, 2015. Collection method: not provided. Allele origin: germline. Inheritance: Autosomal recessive inheritance. Affected: yes.

NM_000111.3(SLC26A3):c.921T>G (p.Cys307Trp)

Gene: SLC26A3 (solute carrier family 26 member 3; minus strand). Cytogenetic location: 7q22.3.
Variant type: single nucleotide variant.
Coding change: c.921T>G on transcript NM_000111.3 (MANE Select); coding-DNA position 921, T replaced by G.
Protein change: p.Cys307Trp; replaces cysteine 307 with tryptophan.
Molecular consequence: missense variant.
Genome position (GRCh38, 1-based): chr7:107,786,877, A>C on the plus strand (T>G on the coding strand, the complement: SLC26A3 is on the minus strand). VCF-style: chr7-107786877-A-C. GRCh37 (hg19) VCF-style: chr7-107427322-A-C.
Other names: short protein forms C307W.
Identifiers: ClinVar variation 358548 (VCV000358548.17), dbSNP rs34407351, ClinGen allele CA4433994.